The following is an entry in ClinVar:

NM_014396.4(VPS41):c.385-2A>G

Gene: VPS41 (VPS41 subunit of HOPS complex; minus strand). Cytogenetic location: 7p14.1.
Variant type: single nucleotide variant.
Coding change: c.385-2A>G on transcript NM_014396.4 (MANE Select); the canonical splice acceptor site of the intron before coding-DNA position 385, A replaced by G.
Molecular consequence: splice acceptor variant.
Genome position (GRCh38, 1-based): chr7:38,817,884, T>C on the plus strand (A>G on the coding strand, the complement: VPS41 is on the minus strand). VCF-style: chr7-38817884-T-C. GRCh37 (hg19) VCF-style: chr7-38857484-T-C.
Other names: c.310-2A>G (NM_080631.4).
Identifiers: ClinVar variation 4076109 (VCV004076109.1).

ClinVar aggregate classification (germline): Likely pathogenic (1 of 4 stars; one submission).

Conditions:
Spinocerebellar ataxia, autosomal recessive 29. Also called: BARAKAT-VAN HAM-KAYA SYNDROME; NEURODEVELOPMENTAL DISORDER WITH HYPOTONIA AND CEREBELLAR ATAXIA. Identifiers: MedGen C5543595, MONDO:0030312, OMIM 619389.

gnomAD v4.1: 2 of 1,613,754 alleles (0.00012%); highest among the groups gnomAD compares: East Asian, 0.0045%; no homozygotes.

Submission:

Department of Pediatrics, Nagoya University Graduate School of Medicine
Classification: Likely pathogenic for Spinocerebellar ataxia, autosomal recessive 29. Last evaluated: 2025-05-26. Review status: criteria provided, single submitter. Criteria: ACMG Guidelines, 2015. Collection method: research, in vitro. Allele origin: paternal, not applicable. Affected: yes. Observed: 1 variant allele. Functional consequence: skipped exon.
Comment: The VPS41 variant (NM_014396.4:c.385-2A>G) is predicted to disrupt the canonical splice acceptor site of intron 6, and RNA analysis confirmed that it leads to skipping of exon 7, resulting in an in-frame deletion of 66 base pairs. Overall, the following ACMG criteria were applied in classifying this variant as Likely Pathogenic: PVS1-moderate, PM2 and PM3.